The following is an entry in ClinVar:

ClinVar aggregate classification (germline): Benign. Review status: criteria provided, multiple submitters, no conflicts (2 of 4 stars). 8 submissions from 8 submitters: Benign (8). Last evaluated 2026-02-04.

Conditions:
Methylmalonic acidemia due to methylmalonyl-CoA epimerase deficiency. Also called: Methylmalonyl-CoA Epimerase Deficiency; METHYLMALONIC ACIDURIA III; METHYLMALONYL-CoA RACEMASE DEFICIENCY. Identifiers: Orphanet 308425, MedGen C1855100, MONDO:0009615, OMIM 251120.

Allele frequency attached by ClinVar (database versions not stated): gnomAD 0.17242; TOPMed 0.18842; ESP Exome Variant Server 0.18853; 1000 Genomes Project 30x 0.20034; 1000 Genomes Project 0.20148.
gnomAD v4.1: 279,765 of 1,613,596 alleles (17%); highest among the groups gnomAD compares: African/African-American, 22%; 25,168 homozygotes.

Submissions (8):

Labcorp Genetics (formerly Invitae), Labcorp
Classification: Benign for Methylmalonic acidemia due to methylmalonyl-CoA epimerase deficiency. Last evaluated: 2026-02-04. Review status: criteria provided, single submitter. Criteria: Invitae Variant Classification Sherloc (09022015). Collection method: clinical testing. Allele origin: germline.

Blueprint Genetics
Classification: Benign. Last evaluated: 2024-11-26. Review status: criteria provided, single submitter. Criteria: ACMG Guidelines, 2015. Collection method: clinical testing. Allele origin: germline.

Genome-Nilou Lab
Classification: Benign for Methylmalonic acidemia due to methylmalonyl-CoA epimerase deficiency. Last evaluated: 2021-09-05. Review status: criteria provided, single submitter. Criteria: ACMG Guidelines, 2015. Collection method: clinical testing. Allele origin: germline. Affected: no.

Mayo Clinic Laboratories, Mayo Clinic
Classification: Benign. Last evaluated: 2021-04-07. Review status: criteria provided, single submitter. Criteria: ACMG Guidelines, 2015. Collection method: clinical testing. Allele origin: germline. Observed: 30 variant alleles.

Illumina Laboratory Services, Illumina
Classification: Benign for Methylmalonic acidemia due to methylmalonyl-CoA epimerase deficiency. Last evaluated: 2018-01-12. Review status: criteria provided, single submitter. Criteria: ICSL Variant Classification Criteria 13 December 2019. Collection method: clinical testing. Allele origin: germline.
Comment: This variant was observed in the ICSL laboratory as part of a predisposition screen in an ostensibly healthy population. It had not been previously curated by ICSL or reported in the Human Gene Mutation Database (HGMD: prior to June 1st, 2018), and was therefore a candidate for classification through an automated scoring system. Utilizing variant allele frequency, disease prevalence and penetrance estimates, and inheritance mode, an automated score was calculated to assess if this variant is too frequent to cause the disease. Based on the score and internal cut-off values, a variant classified as benign is not then subjected to further curation. The score for this variant resulted in a classification of benign for this disease.

Laboratory for Molecular Medicine, Mass General Brigham Personalized Medicine
Classification: Benign. Last evaluated: 2016-03-29. Review status: criteria provided, single submitter. Criteria: LMM Criteria. Collection method: clinical testing. Allele origin: germline.
Comment: Variant identified in a genome or exome case(s) and assessed due to predicted null impact of the variant or pathogenic assertions in the literature or databases. Disclaimer: This variant has not undergone full assessment. The following are preliminary notes: 17% of total chromosomes in ExAC

GeneDx
Classification: Benign. Last evaluated: 2013-08-26. Review status: criteria provided, single submitter. Criteria: GeneDx Variant Classification (06012015). Collection method: clinical testing. Allele origin: germline. Affected: yes.
Comment: This variant is considered likely benign or benign based on one or more of the following criteria: it is a conservative change, it occurs at a poorly conserved position in the protein, it is predicted to be benign by multiple in silico algorithms, and/or has population frequency not consistent with disease.

Breakthrough Genomics
Classification: Benign. Review status: criteria provided, single submitter. Criteria: ACMG Guidelines, 2015. Collection method: not provided. Allele origin: germline. Inheritance: Autosomal recessive inheritance. Affected: yes.

NM_032601.4(MCEE):c.311G>T (p.Arg104Leu)

Gene: MCEE (methylmalonyl-CoA epimerase; minus strand). Cytogenetic location: 2p13.3.
Variant type: single nucleotide variant.
Coding change: c.311G>T on transcript NM_032601.4 (MANE Select); coding-DNA position 311, G replaced by T.
Protein change: p.Arg104Leu; replaces arginine 104 with leucine.
Molecular consequence: missense variant.
Genome position (GRCh38, 1-based): chr2:71,124,273, C>A on the plus strand (G>T on the coding strand, the complement: MCEE is on the minus strand). VCF-style: chr2-71124273-C-A. GRCh37 (hg19) VCF-style: chr2-71351403-C-A.
Other names: p.R104L:CGT>CTT; short protein forms R104L.
Identifiers: ClinVar variation 138183 (VCV000138183.21), dbSNP rs6748672, ClinGen allele CA292035.
Genomic context (GRCh38, chr2:71,124,273, plus strand): 5'-CAGATGTGATGCATTCCTCCAGCCTTGTTTTTCTGCAGAAAACCTGCAATTGGACTGTCA[C>A]GTCCCAATGGATGAAGCAGTTCCATCTTGGTATTTCCCAGGTTGACAAAAACAACAGATA-3'
Protein context (NP_115990.3, residues 94-114): TKMELLHPLG[Arg104Leu]DSPIAGFLQK